The following is an entry in ClinVar:

NM_004006.3(DMD):c.31+82743G>A

Gene: DMD (dystrophin; minus strand). Cytogenetic location: Xp21.1.
Variant type: single nucleotide variant.
Coding change: c.31+82743G>A on transcript NM_004006.3 (MANE Select); 82743 bases into the intron after coding-DNA position 31, G replaced by A.
Molecular consequence: intron variant.
Genome position (GRCh38, 1-based): chrX:33,128,539, C>T on the plus strand (G>A on the coding strand, the complement: DMD is on the minus strand). VCF-style: chrX-33128539-C-T. GRCh37 (hg19) VCF-style: chrX-33146656-C-T.
Other names: c.8-108339G>A (NM_000109.4).
Identifiers: ClinVar variation 681316 (VCV000681316.1), dbSNP rs148734275, ClinGen allele CA147824.

ClinVar aggregate classification (germline): Benign (1 of 4 stars; one submission).

Allele frequency attached by ClinVar (database versions not stated): gnomAD exomes 0.00130; gnomAD 0.01542 and 0.01651; 1000 Genomes Project 0.01669; TOPMed 0.01779; 1000 Genomes Project 30x 0.01852.
gnomAD v4.1: 2,512 of 703,961 alleles (0.36%); highest among the groups gnomAD compares: African/African-American, 5.4%; 55 homozygotes.

Submission:

GeneDx
Classification: Benign. Last evaluated: 2018-06-19. Review status: criteria provided, single submitter. Criteria: GeneDx Variant Classification (06012015). Collection method: clinical testing. Allele origin: germline. Affected: yes.
Comment: This variant is considered likely benign or benign based on one or more of the following criteria: it is a conservative change, it occurs at a poorly conserved position in the protein, it is predicted to be benign by multiple in silico algorithms, and/or has population frequency not consistent with disease.